The following is an entry in ClinVar:

NM_025000.4(DCAF17):c.539dup (p.Gly181fs)

Gene: DCAF17 (DDB1 and CUL4 associated factor 17; plus strand). Cytogenetic location: 2q31.1.
Variant type: Duplication.
Coding change: c.539dup on transcript NM_025000.4 (MANE Select); coding-DNA position 539, one base duplicated (C; older notation c.539dupC).
Protein change: p.Gly181fs; shifts the reading frame from glycine 181.
Molecular consequence: frameshift variant. On other transcripts: non-coding transcript variant (1).
Genome position (GRCh38, 1-based): chr2:171,453,125, C duplicated. VCF-style (leftmost placement, unchanged base first): chr2-171453124-G-GC. GRCh37 (hg19) VCF-style: chr2-172309634-G-GC.
Other names: c.539dup, p.Gly181fs (NM_001164821.2); short protein forms G181fs.
Identifiers: ClinVar variation 2850434 (VCV002850434.3), dbSNP rs2529700389, ClinGen allele CA2739271632.

ClinVar aggregate classification (germline): Pathogenic (1 of 4 stars; one submission).

Conditions:
Woodhouse-Sakati syndrome. Also called: Hypogonadism, Alopecia, Diabetes Mellitus, Mental Retardation, and Extrapyramidal Syndrome; Hypogonadism, diabetes mellitus, alopecia, mental retardation and electrocardiographic abnormalities; EXTRAPYRAMIDAL DISORDER, PROGRESSIVE, WITH PRIMARY HYPOGONADISM, MENTAL RETARDATION, AND ALOPECIA. Identifiers: Orphanet 3464, MedGen C0342286, MONDO:0009419, OMIM 241080.

Submission:

Labcorp Genetics (formerly Invitae), Labcorp
Classification: Pathogenic for Woodhouse-Sakati syndrome. Last evaluated: 2023-03-28. Review status: criteria provided, single submitter. Criteria: Invitae Variant Classification Sherloc (09022015). Collection method: clinical testing. Allele origin: germline.
Comment: For these reasons, this variant has been classified as Pathogenic. Algorithms developed to predict the effect of sequence changes on RNA splicing suggest that this variant may disrupt the consensus splice site. This variant has not been reported in the literature in individuals affected with DCAF17-related conditions. This variant is not present in population databases (gnomAD no frequency). This sequence change creates a premature translational stop signal (p.Gly181Argfs*57) in the DCAF17 gene. It is expected to result in an absent or disrupted protein product. Loss-of-function variants in DCAF17 are known to be pathogenic (PMID: 19026396, 20507343).

Literature cited by the submitters: PubMed 19026396; PubMed 20507343.